The following is an entry in ClinVar:

ClinVar aggregate classification (germline): Uncertain significance (1 of 4 stars; one submission).

Conditions:
Cardiovascular phenotype. Identifiers: MedGen CN230736.

Submission:

Ambry Genetics
Classification: Uncertain significance for Cardiovascular phenotype. Last evaluated: 2026-07-21. Review status: criteria provided, single submitter. Criteria: Ambry Variant Classification Scheme 2023. Collection method: clinical testing. Allele origin: germline.
Comment: The p.E257Q variant (also known as c.769G>C), located in coding exon 5 of the TBX1 gene, results from a G to C substitution at nucleotide position 769. The glutamic acid at codon 257 is replaced by glutamine, an amino acid with highly similar properties. This amino acid position is conserved. In addition, the in silico prediction for this alteration is inconclusive. Based on the available evidence, the clinical significance of this variant remains unclear.

NM_001379200.1(TBX1):c.796G>C (p.Glu266Gln)

Gene: TBX1 (T-box transcription factor 1; plus strand). Cytogenetic location: 22q11.21.
Variant type: single nucleotide variant.
Coding change: c.796G>C on transcript NM_001379200.1 (MANE Select); coding-DNA position 796, G replaced by C.
Protein change: p.Glu266Gln; replaces glutamic acid 266 with glutamine.
Molecular consequence: missense variant.
Genome position (GRCh38, 1-based): chr22:19,765,042, G>C. VCF-style: chr22-19765042-G-C. GRCh37 (hg19) VCF-style: chr22-19752565-G-C.
Other names: c.769G>C, p.Glu257Gln (NM_005992.1, NM_080646.2, NM_080647.1); short protein forms E257Q, E266Q.
Identifiers: ClinVar variation 5030535 (VCV005030535.1).